The following is an entry in ClinVar:

ClinVar aggregate classification (germline): Uncertain significance (1 of 4 stars; one submission).

Conditions:
Inborn genetic diseases. Identifiers: MedGen C0950123, MeSH D030342.

Allele frequency attached by ClinVar (database versions not stated): gnomAD exomes below 0.00001.
gnomAD v4.1: 1 of 1,609,824 alleles (0.000062%); highest among the groups gnomAD compares: Admixed American, 0.0017%; no homozygotes.

Submission:

Ambry Genetics
Classification: Uncertain significance for Inborn genetic diseases. Last evaluated: 2022-05-15. Review status: criteria provided, single submitter. Criteria: Ambry Variant Classification Scheme 2023. Collection method: clinical testing. Allele origin: germline.
Comment: The p.L2473W variant (also known as c.7418T>G), located in coding exon 50 of the LRRK2 gene, results from a T to G substitution at nucleotide position 7418. The leucine at codon 2473 is replaced by tryptophan, an amino acid with similar properties. This amino acid position is conserved. In addition, the in silico prediction for this alteration is inconclusive. Since supporting evidence is limited at this time, the clinical significance of this alteration remains unclear.

NM_198578.4(LRRK2):c.7418T>G (p.Leu2473Trp)

Gene: LRRK2 (leucine rich repeat kinase 2; plus strand). Cytogenetic location: 12q12.
Variant type: single nucleotide variant.
Coding change: c.7418T>G on transcript NM_198578.4 (MANE Select); coding-DNA position 7418, T replaced by G.
Protein change: p.Leu2473Trp; replaces leucine 2473 with tryptophan.
Molecular consequence: missense variant.
Genome position (GRCh38, 1-based): chr12:40,367,033, T>G. VCF-style: chr12-40367033-T-G. GRCh37 (hg19) VCF-style: chr12-40760835-T-G.
Other names: short protein forms L2473W.
Identifiers: ClinVar variation 1758815 (VCV001758815.2), dbSNP rs2500058226, ClinGen allele CA384415725.